The following is an entry in ClinVar:

NM_001029896.2(WDR45):c.598_599del (p.Leu200fs)

Gene: WDR45 (WD repeat domain 45; minus strand). Cytogenetic location: Xp11.23.
Variant type: Microsatellite.
Coding change: c.598_599del on transcript NM_001029896.2 (MANE Select); coding-DNA positions 598 to 599, 2 bases deleted (CT; older notation c.598_599delCT).
Protein change: p.Leu200fs; shifts the reading frame from leucine 200.
Molecular consequence: frameshift variant.
Genome position (GRCh38, 1-based): chrX:49,075,671-49,075,672, AG deleted on the plus strand (CT on the coding strand, the reverse complement: WDR45 is on the minus strand); deleting any 2 consecutive bases within chrX:49,075,671-49,075,675 gives the same sequence; the c. name uses the placement nearest the transcript's 3' end. VCF-style (leftmost placement, unchanged base first): chrX-49075670-TAG-T. GRCh37 (hg19) VCF-style: chrX-48933329-TAG-T.
Other names: c.601_602delCT (NM_007075.3); c.601_602del, p.Leu201fs (NM_007075.4); short protein forms L201fs, L200fs.
Identifiers: ClinVar variation 931294 (VCV000931294.3), dbSNP rs2065032591, ClinGen allele CA2428490058.
Genomic context (GRCh38, chrX:49,075,670, plus strand): 5'-AAAGAGGCGAATAAGGGTACCCTTCTGGGAGGCTGAGGCCACTACAGTGCCTGGCTGGTT[TAG>T]AGACACACAGGCTATGTCACTCTGATGTGCATTGATCGTGAATGGAGCAGACGAGGTGCC-3'

ClinVar aggregate classification (germline): Likely pathogenic (1 of 4 stars; one submission).

Conditions:
Neurodegeneration with brain iron accumulation 5 (NBIA5). Also called: Beta-propeller protein-associated neurodegeneration; STATIC ENCEPHALOPATHY OF CHILDHOOD WITH NEURODEGENERATION IN ADULTHOOD. Identifiers: Orphanet 329284, MedGen C3550973, MONDO:0010476, OMIM 300894.

Submission:

Centre for Mendelian Genomics, University Medical Centre Ljubljana
Classification: Likely pathogenic for Neurodegeneration with brain iron accumulation 5. Last evaluated: 2020-02-11. Review status: criteria provided, single submitter. Criteria: ACMG Guidelines, 2015. Collection method: clinical testing. Allele origin: unknown. Affected: yes.
Comment: This variant was classified as: Likely pathogenic. The following ACMG criteria were applied in classifying this variant: PVS1,PM2.